The following is an entry in ClinVar:

ClinVar aggregate classification (germline): Uncertain significance. Review status: criteria provided, multiple submitters, no conflicts (2 of 4 stars). 3 submissions from 3 submitters: Uncertain significance (3). Last evaluated 2024-03-28.

Conditions:
Arrhythmogenic right ventricular cardiomyopathy (ARVD). Also called: Cardiomyopathy, ARVC; Arrhythmogenic right ventricular dysplasia; Arrhythmogenic Right Ventricular Cardiomyopathy (ARVC); Arrhythmogenic cardiomyopathy. Identifiers: Orphanet 247, MedGen C0349788, MeSH D019571, MONDO:0016587. Disease mechanism: loss of function. Inheritance: Various modes of inheritance.
Cardiovascular phenotype. Identifiers: MedGen CN230736.
Arrhythmogenic right ventricular dysplasia 9 (ARVD9). Also called: Arrhythmogenic Right Ventricular Dysplasia/Cardiomyopathy 9; ARRHYTHMOGENIC RIGHT VENTRICULAR DYSPLASIA, FAMILIAL, 9. Identifiers: MedGen C1836906, MONDO:0012180, OMIM 609040.

Allele frequency attached by ClinVar (database versions not stated): TOPMed 0.00002; ExAC 0.00003; gnomAD exomes 0.00003.
gnomAD v4.1: 7 of 1,614,114 alleles (0.00043%); highest among the groups gnomAD compares: East Asian, 0.013%; no homozygotes.

Submissions (3):

Ambry Genetics
Classification: Uncertain significance for Cardiovascular phenotype. Last evaluated: 2024-03-28. Review status: criteria provided, single submitter. Criteria: Ambry Variant Classification Scheme 2023. Collection method: clinical testing. Allele origin: germline.

Labcorp Genetics (formerly Invitae), Labcorp
Classification: Uncertain significance for Arrhythmogenic right ventricular dysplasia 9. Last evaluated: 2023-12-12. Review status: criteria provided, single submitter. Criteria: Invitae Variant Classification Sherloc (09022015). Collection method: clinical testing. Allele origin: germline.
Comment: This sequence change replaces serine, which is neutral and polar, with phenylalanine, which is neutral and non-polar, at codon 846 of the PKP2 protein (p.Ser846Phe). This variant is present in population databases (rs768808114, gnomAD 0.03%). This variant has not been reported in the literature in individuals affected with PKP2-related conditions. ClinVar contains an entry for this variant (Variation ID: 1400536). An algorithm developed to predict the effect of missense changes on protein structure and function (PolyPhen-2) suggests that this variant is likely to be tolerated. In summary, the available evidence is currently insufficient to determine the role of this variant in disease. Therefore, it has been classified as a Variant of Uncertain Significance.

All of Us Research Program, National Institutes of Health
Classification: Uncertain significance for Arrhythmogenic right ventricular cardiomyopathy. Last evaluated: 2023-07-19. Review status: criteria provided, single submitter. Criteria: ACMG Guidelines, 2015. Collection method: clinical testing. Allele origin: germline. Inheritance: Autosomal dominant inheritance. Observed: 1 variant allele, 1 heterozygote.
Comment: This missense variant replaces serine with phenylalanine at codon 846 of the PKP2 protein. Computational prediction suggests that this variant may not impact protein structure and function (internally defined REVEL score threshold <= 0.5, PMID: 27666373). To our knowledge, functional studies have not been reported for this variant. This variant has not been reported in individuals affected with PKP2-related disorders in the literature. This variant has been identified in 7/251436 chromosomes in the general population by the Genome Aggregation Database (gnomAD). The available evidence is insufficient to determine the role of this variant in disease conclusively. Therefore, this variant is classified as a Variant of Uncertain Significance.

This study involves interpretation of variants in research participants for the purpose of population health screening. Participant phenotype was not available at the time of variant classification. Additional details can be found in publication PMID: 35346344, PMCID: PMC8962531

NM_001005242.3(PKP2):c.2405C>T (p.Ser802Phe)

Gene: PKP2 (plakophilin 2; minus strand). Cytogenetic location: 12p11.21.
Variant type: single nucleotide variant.
Coding change: c.2405C>T on transcript NM_001005242.3 (MANE Select); coding-DNA position 2405, C replaced by T.
Protein change: p.Ser802Phe; replaces serine 802 with phenylalanine.
Molecular consequence: missense variant.
Genome position (GRCh38, 1-based): chr12:32,792,684, G>A on the plus strand (C>T on the coding strand, the complement: PKP2 is on the minus strand). VCF-style: chr12-32792684-G-A. GRCh37 (hg19) VCF-style: chr12-32945618-G-A.
Other names: c.2537C>T (NM_004572.3); c.2537C>T, p.Ser846Phe (NM_004572.4); short protein forms S802F, S846F.
Identifiers: ClinVar variation 1400536 (VCV001400536.10), dbSNP rs768808114, ClinGen allele CA035783.